The following is an entry in ClinVar:

NM_022132.5(MCCC2):c.598A>G (p.Ile200Val)

Gene: MCCC2 (methylcrotonyl-CoA carboxylase subunit 2; plus strand). Cytogenetic location: 5q13.2.
Variant type: single nucleotide variant.
Coding change: c.598A>G on transcript NM_022132.5 (MANE Select); coding-DNA position 598, A replaced by G.
Protein change: p.Ile200Val; replaces isoleucine 200 with valine.
Molecular consequence: missense variant.
Genome position (GRCh38, 1-based): chr5:71,604,442, A>G. VCF-style: chr5-71604442-A-G. GRCh37 (hg19) VCF-style: chr5-70900269-A-G.
Other names: c.598A>G, p.Ile200Val (NM_001363147.1); short protein forms I200V.
Identifiers: ClinVar variation 1411877 (VCV001411877.6), dbSNP rs2112329325, ClinGen allele CA360012204.

ClinVar aggregate classification (germline): Uncertain significance (1 of 4 stars; one submission).

Conditions:
3-methylcrotonyl-CoA carboxylase 2 deficiency. Also called: METHYLCROTONYLGLYCINURIA, TYPE II; 3 alpha methylcrotonyl-CoA carboxylase 2 deficiency; 3 alpha methylcrotonylglycinuria 2; MCC 2 deficiency; Methylcrotonylglycinuria type 2. Identifiers: Orphanet 6, MedGen C1859499, MONDO:0008862, OMIM 210210.

Submission:

Labcorp Genetics (formerly Invitae), Labcorp
Classification: Uncertain significance for 3-methylcrotonyl-CoA carboxylase 2 deficiency. Last evaluated: 2022-02-09. Review status: criteria provided, single submitter. Criteria: Invitae Variant Classification Sherloc (09022015). Collection method: clinical testing. Allele origin: germline.
Comment: In summary, the available evidence is currently insufficient to determine the role of this variant in disease. Therefore, it has been classified as a Variant of Uncertain Significance. Advanced modeling of protein sequence and biophysical properties (such as structural, functional, and spatial information, amino acid conservation, physicochemical variation, residue mobility, and thermodynamic stability) performed at Invitae indicates that this missense variant is not expected to disrupt MCCC2 protein function. This variant has not been reported in the literature in individuals affected with MCCC2-related conditions. This variant is not present in population databases (gnomAD no frequency). This sequence change replaces isoleucine, which is neutral and non-polar, with valine, which is neutral and non-polar, at codon 200 of the MCCC2 protein (p.Ile200Val).